The following is an entry in ClinVar:

NM_052947.4(ALPK2):c.2708G>C (p.Ser903Thr)

Gene: ALPK2 (alpha kinase 2; minus strand). Cytogenetic location: 18q21.31.
Variant type: single nucleotide variant.
Coding change: c.2708G>C on transcript NM_052947.4 (MANE Select); coding-DNA position 2708, G replaced by C.
Protein change: p.Ser903Thr; replaces serine 903 with threonine.
Molecular consequence: missense variant.
Genome position (GRCh38, 1-based): chr18:58,537,479, C>G on the plus strand (G>C on the coding strand, the complement: ALPK2 is on the minus strand). VCF-style: chr18-58537479-C-G. GRCh37 (hg19) VCF-style: chr18-56204711-C-G.
Other names: short protein forms S903T.
Identifiers: ClinVar variation 1795008 (VCV001795008.2), dbSNP rs149634781, ClinGen allele CA8977024.
Genomic context (GRCh38, chr18:58,537,479, plus strand): 5'-GAGGCCAGTGGGTAGGTGGAATTCTCCACCTTGGCTAGATTTTCTCCTGTGGCACCTTCA[C>G]TAGCTGTGTGTGAAATGTTCAAGGTGAAAGTACTGGTAAAAAGAGGGGACATGACTGAGT-3'
Protein context (NP_443179.3, residues 893-913): TFTLNISHTA[Ser903Thr]EGATGENLAK

ClinVar aggregate classification (germline): Uncertain significance (1 of 4 stars; one submission).

Allele frequency attached by ClinVar (database versions not stated): gnomAD exomes below 0.00001; TOPMed below 0.00001; ExAC 0.00001; gnomAD 0.00001; ESP Exome Variant Server 0.00008.
gnomAD v4.1: 2 of 1,611,846 alleles (0.00012%); highest among the groups gnomAD compares: Non-Finnish European, 0.00017%; no homozygotes.

Submission:

Ambry Genetics
Classification: Uncertain significance. Last evaluated: 2022-06-28. Review status: criteria provided, single submitter. Criteria: Ambry Variant Classification Scheme 2023. Collection method: clinical testing. Allele origin: germline.
Comment: The p.S903T variant (also known as c.2708G>C), located in coding exon 4 of the ALPK2 gene, results from a G to C substitution at nucleotide position 2708. The serine at codon 903 is replaced by threonine, an amino acid with similar properties. This amino acid position is conserved. In addition, this alteration is predicted to be tolerated by in silico analysis. Since supporting evidence is limited at this time, the clinical significance of this alteration remains unclear.